The following is an entry in ClinVar:

ClinVar aggregate classification (germline): Uncertain significance (1 of 4 stars; one submission).

Conditions:
Arrhythmogenic right ventricular dysplasia 9 (ARVD9). Also called: ARRHYTHMOGENIC RIGHT VENTRICULAR DYSPLASIA, FAMILIAL, 9; Arrhythmogenic Right Ventricular Dysplasia/Cardiomyopathy 9. Identifiers: MedGen C1836906, MONDO:0012180, OMIM 609040.

Allele frequency attached by ClinVar (database versions not stated): gnomAD exomes below 0.00001.
gnomAD v4.1: 1 of 1,359,344 alleles (0.000074%); highest among the groups gnomAD compares: African/African-American, 0.0015%; no homozygotes.

Submission:

Labcorp Genetics (formerly Invitae), Labcorp
Classification: Uncertain significance for Arrhythmogenic right ventricular dysplasia 9. Last evaluated: 2025-10-17. Review status: criteria provided, single submitter. Criteria: Invitae Variant Classification Sherloc (09022015). Collection method: clinical testing. Allele origin: germline.
Comment: This sequence change replaces asparagine, which is neutral and polar, with serine, which is neutral and polar, at codon 469 of the PKP2 protein (p.Asn469Ser). This variant is not present in population databases (gnomAD no frequency). This variant has not been reported in the literature in individuals affected with PKP2-related conditions. ClinVar contains an entry for this variant (Variation ID: 1368998). An algorithm developed to predict the effect of missense changes on protein structure and function (PolyPhen-2) suggests that this variant is likely to be tolerated. In summary, the available evidence is currently insufficient to determine the role of this variant in disease. Therefore, it has been classified as a Variant of Uncertain Significance.

NM_001005242.3(PKP2):c.1379-2081A>G

Gene: PKP2 (plakophilin 2; minus strand). Cytogenetic location: 12p11.21.
Variant type: single nucleotide variant.
Coding change: c.1379-2081A>G on transcript NM_001005242.3 (MANE Select); 2081 bases into the intron before coding-DNA position 1379, A replaced by G.
Molecular consequence: intron variant. On other transcripts: missense variant (1).
Genome position (GRCh38, 1-based): chr12:32,843,286, T>C on the plus strand (A>G on the coding strand, the complement: PKP2 is on the minus strand). VCF-style: chr12-32843286-T-C. GRCh37 (hg19) VCF-style: chr12-32996220-T-C.
Other names: c.1406A>G, p.Asn469Ser (NM_004572.4); short protein forms N469S.
Identifiers: ClinVar variation 1368998 (VCV001368998.8), dbSNP rs2137838328, ClinGen allele CA384368752.
Genomic context (GRCh38, chr12:32,843,286, plus strand): 5'-CCGCCTTGGCCTCCCAAAGTGCTGGGATTACAGGCGTGAGCCACCGCGCCCGGCCAGCCA[T>C]TCCTACTTCTTAAATTGACTGTATGGTCTGTACAAAGGAAAGAGGAAGCATAGGTACTCA-3'